The following is an entry in ClinVar:

ClinVar aggregate classification (germline): Uncertain significance (1 of 4 stars; one submission).

Conditions:
Cardiovascular phenotype. Identifiers: MedGen CN230736.

gnomAD v4.1: 3 of 1,613,914 alleles (0.00019%); highest among the groups gnomAD compares: South Asian, 0.0011%; no homozygotes.

Submission:

Ambry Genetics
Classification: Uncertain significance for Cardiovascular phenotype. Last evaluated: 2024-12-18. Review status: criteria provided, single submitter. Criteria: Ambry Variant Classification Scheme 2023. Collection method: clinical testing. Allele origin: germline.
Comment: The p.T2273A variant (also known as c.6817A>G), located in coding exon 30 of the AKAP9 gene, results from an A to G substitution at nucleotide position 6817. The threonine at codon 2273 is replaced by alanine, an amino acid with similar properties. This amino acid position is conserved. In addition, this alteration is predicted to be tolerated by in silico analysis. Based on the available evidence, the clinical significance of this variant remains unclear.

NM_005751.5(AKAP9):c.6817A>G (p.Thr2273Ala)

Gene: AKAP9 (A-kinase anchoring protein 9; plus strand). Cytogenetic location: 7q21.2.
Variant type: single nucleotide variant.
Coding change: c.6817A>G on transcript NM_005751.5 (MANE Select); coding-DNA position 6817, A replaced by G.
Protein change: p.Thr2273Ala; replaces threonine 2273 with alanine.
Molecular consequence: missense variant.
Genome position (GRCh38, 1-based): chr7:92,077,747, A>G. VCF-style: chr7-92077747-A-G. GRCh37 (hg19) VCF-style: chr7-91707061-A-G.
Other names: c.1462A>G, p.Thr488Ala (NM_001379277.1); c.6793A>G, p.Thr2265Ala (NM_147185.3); short protein forms T2273A, T488A, T2265A.
Identifiers: ClinVar variation 3849214 (VCV003849214.1).